The following is an entry in ClinVar:

ClinVar aggregate classification (germline): Uncertain significance. Review status: criteria provided, multiple submitters, no conflicts (2 of 4 stars). 2 submissions from 2 submitters: Uncertain significance (2). Last evaluated 2024-11-11.

Conditions:
Pierson syndrome. Also called: MICROCORIA-CONGENITAL NEPHROTIC SYNDROME. Identifiers: Orphanet 2670, MedGen C1836876, MONDO:0012184, OMIM 609049.
LAMB2-related infantile-onset nephrotic syndrome. Also called: Nephrotic Syndrome, type 5; NEPHROTIC SYNDROME, TYPE 5, WITHOUT OCULAR ABNORMALITIES; NEPHROTIC SYNDROME, TYPE 5, WITH OCULAR ABNORMALITIES. Identifiers: Orphanet 306507, MedGen C3280113, MONDO:0013621, OMIM 614199.

Allele frequency attached by ClinVar (database versions not stated): ExAC 0.00001; gnomAD exomes 0.00001; TOPMed 0.00002.
gnomAD v4.1: 3 of 1,613,884 alleles (0.00019%); highest among the groups gnomAD compares: Admixed American, 0.005%; no homozygotes.

Submissions (2):

Labcorp Genetics (formerly Invitae), Labcorp
Classification: Uncertain significance for LAMB2-related infantile-onset nephrotic syndrome; Pierson syndrome. Last evaluated: 2024-11-11. Review status: criteria provided, single submitter. Criteria: Invitae Variant Classification Sherloc (09022015). Collection method: clinical testing. Allele origin: germline.
Comment: This sequence change replaces cysteine, which is neutral and slightly polar, with arginine, which is basic and polar, at codon 905 of the LAMB2 protein (p.Cys905Arg). This variant is present in population databases (rs780216920, gnomAD 0.009%). This variant has not been reported in the literature in individuals affected with LAMB2-related conditions. ClinVar contains an entry for this variant (Variation ID: 2162655). An algorithm developed to predict the effect of missense changes on protein structure and function (PolyPhen-2) suggests that this variant is likely to be disruptive. In summary, the available evidence is currently insufficient to determine the role of this variant in disease. Therefore, it has been classified as a Variant of Uncertain Significance.

Fulgent Genetics
Classification: Uncertain significance for Pierson syndrome; LAMB2-related infantile-onset nephrotic syndrome. Last evaluated: 2024-05-16. Review status: criteria provided, single submitter. Criteria: ACMG Guidelines, 2015. Collection method: clinical testing. Allele origin: germline.

NM_002292.4(LAMB2):c.2713T>C (p.Cys905Arg)

Gene: LAMB2 (laminin subunit beta 2; minus strand). Cytogenetic location: 3p21.31.
Variant type: single nucleotide variant.
Coding change: c.2713T>C on transcript NM_002292.4 (MANE Select); coding-DNA position 2713, T replaced by C.
Protein change: p.Cys905Arg; replaces cysteine 905 with arginine.
Molecular consequence: missense variant.
Genome position (GRCh38, 1-based): chr3:49,125,260, A>G on the plus strand (T>C on the coding strand, the complement: LAMB2 is on the minus strand). VCF-style: chr3-49125260-A-G. GRCh37 (hg19) VCF-style: chr3-49162693-A-G.
Other names: short protein forms C905R.
Identifiers: ClinVar variation 2162655 (VCV002162655.5), dbSNP rs780216920, ClinGen allele CA2394239.
Genomic context (GRCh38, chr3:49,125,260, plus strand): 5'-TCCCTGGGAAGCCTGCCCACCAACCAACCCACTCATAGCTGCTCCAGTCTCACCTTTCAC[A>G]GTGCTCACCCCCTGTGTGATCACGGCAGCCCAGGCAAGCGCCTGTGTGGGTGTTGCACTC-3'
Protein context (NP_002283.3, residues 895-915): GCRDHTGGEH[Cys905Arg]ERCIAGFHGD